The following is an entry in ClinVar:

ClinVar aggregate classification (germline): Conflicting classifications of pathogenicity. Review status: criteria provided, conflicting classifications (1 of 4 stars). 4 submissions from 4 submitters: Pathogenic (1); Likely pathogenic (2); Uncertain significance (1). Last evaluated 2024-10-08.

Conditions:
Morquio syndrome. Also called: Eccentrochondrodysplasia; Mucopolysaccharidosis, Type IV; MPS IV; Mucopolysaccharidosis type 4. Identifiers: Orphanet 582, MedGen C0026707, MONDO:0018938.
Inborn genetic diseases. Identifiers: MedGen C0950123, MeSH D030342.
Mucopolysaccharidosis, MPS-IV-A (MPS4A). Also called: Mucopolysaccharidosis Type IVA; GALACTOSAMINE-6-SULFATASE DEFICIENCY; GALNS DEFICIENCY; MORQUIO A DISEASE; MPS IVA; Morquio syndrome A, mild. Identifiers: Orphanet 309297, Orphanet 582, MedGen C0086651, MONDO:0009659, OMIM 253000.

Allele frequency attached by ClinVar (database versions not stated): TOPMed below 0.00001.

Submissions (4):

Women's Health and Genetics/Laboratory Corporation of America, LabCorp
Classification: Likely pathogenic for Morquio syndrome. Last evaluated: 2024-10-08. Review status: criteria provided, single submitter. Criteria: LabCorp Variant Classification Summary - May 2015. Collection method: clinical testing. Allele origin: germline.
Comment: Variant summary: GALNS c.122T>A (p.Met41Lys) results in a non-conservative amino acid change located in the Sulfatase, N-terminal domain (IPR000917) of the encoded protein sequence. Five of five in-silico tools predict a damaging effect of the variant on protein function. Consensus agreement among computation tools predict no significant impact on normal splicing. However, these predictions have yet to be confirmed by functional studies. The variant was absent in 249280 control chromosomes. c.122T>A has been reported in the literature in at least one homozygous individual affected with Mucopolysaccharidosis Type IVA (Morquio Syndrome A)(Dung_2013, Kecskemethy_2016). These data indicate that the variant may be associated with disease. Additionally, GALNS activity in cells from this homozygous individual was <10% of normal control enzyme activity (Dung_2013). The following publications have been ascertained in the context of this evaluation (PMID: 23876334, 26670863). ClinVar contains an entry for this variant (Variation ID: 520822). Based on the evidence outlined above, the variant was classified as likely pathogenic.

Genome-Nilou Lab
Classification: Likely pathogenic for Mucopolysaccharidosis, MPS-IV-A. Last evaluated: 2021-11-07. Review status: criteria provided, single submitter. Criteria: ACMG Guidelines, 2015. Collection method: clinical testing. Allele origin: germline. Affected: no.

Laboratory of Diagnosis and Therapy of Lysosomal Disorders, University of Padova
Classification: Uncertain significance for Mucopolysaccharidosis, MPS-IV-A. Last evaluated: 2021-02-01. Review status: criteria provided, single submitter. Criteria: ACMG Guidelines, 2015. Collection method: curation. Allele origin: germline. Affected: yes.
Comment: In vivo functional studies supportive of a damaging effect on the gene product (low to null enzymatic activity in homozygotes; PS3_supporting); absent from gnomAD v2.1.1 (PM2_moderate); multiple lines of computational evidence support a deleterious effect on the gene (PP3_supporting)

Ambry Genetics
Classification: Pathogenic for Inborn genetic diseases. Last evaluated: 2015-10-22. Review status: criteria provided, single submitter. Criteria: Ambry exome assertion method (8-5-2015). Collection method: clinical testing. Allele origin: germline. Affected: yes. Observed: 1 variant allele.

Literature cited by the submitters: PubMed 23876334 (cited by 3 submitters); PubMed 26670863 (cited by Women's Health and Genetics/Laboratory Corporation of America, LabCorp); PubMed 34387910 (cited by Laboratory of Diagnosis and Therapy of Lysosomal Disorders, University of Padova); PubMed 15235041 (cited by Ambry Genetics); PubMed 22940367 (cited by Ambry Genetics).

NM_000512.5(GALNS):c.122T>A (p.Met41Lys)

Gene: GALNS (galactosamine (N-acetyl)-6-sulfatase; minus strand). Cytogenetic location: 16q24.3.
Variant type: single nucleotide variant.
Coding change: c.122T>A on transcript NM_000512.5 (MANE Select); coding-DNA position 122, T replaced by A.
Protein change: p.Met41Lys; replaces methionine 41 with lysine.
Molecular consequence: missense variant. On other transcripts: intron variant (1).
Genome position (GRCh38, 1-based): chr16:88,842,828, A>T on the plus strand (T>A on the coding strand, the complement: GALNS is on the minus strand). VCF-style: chr16-88842828-A-T. GRCh37 (hg19) VCF-style: chr16-88909236-A-T.
Other names: c.140T>A, p.Met47Lys (NM_001323544.2); c.-311-857T>A (NM_001323543.2); short protein forms M41K, M47K.
Identifiers: ClinVar variation 520822 (VCV000520822.12), dbSNP rs1555523411, ClinGen allele CA397092190.
Genomic context (GRCh38, chr16:88,842,828, plus strand): 5'-CGGTCCAAATTCGGGGTCTCTCTGGAGGGCTCTCCATACACCCCGAGGTCACCCCATCCC[A>T]TCTGCAGGGAAGAGCACGGGGAGGAGGAATGAGCGCCTTCTGCAGGTGCTTCTGGCCTGG-3'
Protein context (NP_000503.1, residues 31-51): PNILLLLMDD[Met41Lys]GWGDLGVYGE